The following is an entry in ClinVar:

NM_001370.2(DNAH6):c.1673C>A (p.Ser558Ter)

Gene: DNAH6 (dynein axonemal heavy chain 6; plus strand). Cytogenetic location: 2p11.2.
Variant type: single nucleotide variant.
Coding change: c.1673C>A on transcript NM_001370.2 (MANE Select); coding-DNA position 1673, C replaced by A.
Protein change: p.Ser558Ter; replaces serine 558 with a stop codon.
Molecular consequence: nonsense.
Genome position (GRCh38, 1-based): chr2:84,557,805, C>A. VCF-style: chr2-84557805-C-A. GRCh37 (hg19) VCF-style: chr2-84784929-C-A.
Other names: short protein forms S558*.
Identifiers: ClinVar variation 3032839 (VCV003032839.2), dbSNP rs1373965792, ClinGen allele CA347453853.

ClinVar aggregate classification (germline): Uncertain significance (0 of 4 stars; one submission).

Conditions:
DNAH6-related disorder. Also called: DNAH6-related condition.

gnomAD v4.1: 1 of 1,612,262 alleles (0.000062%); highest among the groups gnomAD compares: Non-Finnish European, 0.000085%; no homozygotes.

Submission:

PreventionGenetics, part of Exact Sciences
Classification: Uncertain significance for DNAH6-related condition. Last evaluated: 2023-12-14. Review status: no assertion criteria provided. Collection method: clinical testing. Allele origin: germline.
Comment: The DNAH6 c.1673C>A variant is predicted to result in premature protein termination (p.Ser558*). To our knowledge, this variant has not been reported in the literature or in a large population database, indicating this variant is rare. At this time, the clinical significance of this variant is uncertain due to the absence of conclusive functional and genetic evidence.